The following is an entry in ClinVar:

NM_005670.4(EPM2A):c.715G>A (p.Glu239Lys)

Gene: EPM2A (EPM2A glucan phosphatase, laforin; minus strand). Cytogenetic location: 6q24.3.
Variant type: single nucleotide variant.
Coding change: c.715G>A on transcript NM_005670.4 (MANE Select); coding-DNA position 715, G replaced by A.
Protein change: p.Glu239Lys; replaces glutamic acid 239 with lysine.
Molecular consequence: missense variant. On other transcripts: intron variant (1).
Genome position (GRCh38, 1-based): chr6:145,635,248, C>T on the plus strand (G>A on the coding strand, the complement: EPM2A is on the minus strand). VCF-style: chr6-145635248-C-T. GRCh37 (hg19) VCF-style: chr6-145956384-C-T.
Other names: c.715G>A, p.Glu239Lys (NM_001018041.2, NM_001368130.1); c.301G>A, p.Glu101Lys (NM_001360064.2, NM_001360071.2, NM_001368131.1); c.253G>A, p.Glu85Lys (NM_001368129.2, NM_001368132.1); c.477-7555G>A (NM_001360057.2); short protein forms E85K, E101K, E239K.
Identifiers: ClinVar variation 951286 (VCV000951286.5), dbSNP rs373652439, ClinGen allele CA4035120.

ClinVar aggregate classification (germline): Uncertain significance (1 of 4 stars; one submission).

Conditions:
Progressive myoclonic epilepsy. Also called: Myoclonic Epilepsies, Progressive; Familial progressive myoclonic epilepsy; Myoclonus epilepsy; Progressive myoclonus epilepsy. Identifiers: Orphanet 308, Orphanet 98261, MedGen C0751778, MONDO:0020074.

Allele frequency attached by ClinVar (database versions not stated): TOPMed 0.00001; gnomAD 0.00002; ExAC 0.00004; ESP Exome Variant Server 0.00008.
gnomAD v4.1: 22 of 1,614,044 alleles (0.0014%); highest among the groups gnomAD compares: Admixed American, 0.025%; no homozygotes.

Submission:

Labcorp Genetics (formerly Invitae), Labcorp
Classification: Uncertain significance for Progressive myoclonic epilepsy. Last evaluated: 2022-07-26. Review status: criteria provided, single submitter. Criteria: Invitae Variant Classification Sherloc (09022015). Collection method: clinical testing. Allele origin: germline.
Comment: This sequence change replaces glutamic acid, which is acidic and polar, with lysine, which is basic and polar, at codon 239 of the EPM2A protein (p.Glu239Lys). This variant is present in population databases (rs373652439, gnomAD 0.02%). This variant has not been reported in the literature in individuals affected with EPM2A-related conditions. ClinVar contains an entry for this variant (Variation ID: 951286). Algorithms developed to predict the effect of missense changes on protein structure and function (SIFT, PolyPhen-2, Align-GVGD) all suggest that this variant is likely to be disruptive. In summary, the available evidence is currently insufficient to determine the role of this variant in disease. Therefore, it has been classified as a Variant of Uncertain Significance.